The following is an entry in ClinVar:

ClinVar aggregate classification (germline): Uncertain significance (1 of 4 stars; one submission).

Allele frequency attached by ClinVar (database versions not stated): TOPMed below 0.00001.

Submission:

Labcorp Genetics (formerly Invitae), Labcorp
Classification: Uncertain significance. Last evaluated: 2022-06-04. Review status: criteria provided, single submitter. Criteria: Invitae Variant Classification Sherloc (09022015). Collection method: clinical testing. Allele origin: germline.
Comment: This sequence change replaces valine, which is neutral and non-polar, with phenylalanine, which is neutral and non-polar, at codon 591 of the MYH3 protein (p.Val591Phe). This variant is not present in population databases (gnomAD no frequency). This variant has not been reported in the literature in individuals affected with MYH3-related conditions. ClinVar contains an entry for this variant (Variation ID: 1396088). Advanced modeling of protein sequence and biophysical properties (such as structural, functional, and spatial information, amino acid conservation, physicochemical variation, residue mobility, and thermodynamic stability) performed at Invitae indicates that this missense variant is expected to disrupt MYH3 protein function. In summary, the available evidence is currently insufficient to determine the role of this variant in disease. Therefore, it has been classified as a Variant of Uncertain Significance.

NM_002470.4(MYH3):c.1771G>T (p.Val591Phe)

Gene: MYH3 (myosin heavy chain 3; minus strand). Cytogenetic location: 17p13.1.
Variant type: single nucleotide variant.
Coding change: c.1771G>T on transcript NM_002470.4 (MANE Select); coding-DNA position 1771, G replaced by T.
Protein change: p.Val591Phe; replaces valine 591 with phenylalanine.
Molecular consequence: missense variant.
Genome position (GRCh38, 1-based): chr17:10,642,534, C>A on the plus strand (G>T on the coding strand, the complement: MYH3 is on the minus strand). VCF-style: chr17-10642534-C-A. GRCh37 (hg19) VCF-style: chr17-10545851-C-A.
Other names: short protein forms V591F.
Identifiers: ClinVar variation 1396088 (VCV001396088.6), dbSNP rs910043735, ClinGen allele CA287787839.